The following is an entry in ClinVar:

NM_031844.3(HNRNPU):c.596C>T (p.Ala199Val)

Gene: HNRNPU (heterogeneous nuclear ribonucleoprotein U; minus strand). Cytogenetic location: 1q44.
Variant type: single nucleotide variant.
Coding change: c.596C>T on transcript NM_031844.3 (MANE Select); coding-DNA position 596, C replaced by T.
Protein change: p.Ala199Val; replaces alanine 199 with valine.
Molecular consequence: missense variant.
Genome position (GRCh38, 1-based): chr1:244,863,712, G>A on the plus strand (C>T on the coding strand, the complement: HNRNPU is on the minus strand). VCF-style: chr1-244863712-G-A. GRCh37 (hg19) VCF-style: chr1-245027014-G-A.
Other names: c.596C>T, p.Ala199Val (NM_004501.3); short protein forms A199V.
Identifiers: ClinVar variation 863376 (VCV000863376.10), dbSNP rs1680920689, ClinGen allele CA345496397.

ClinVar aggregate classification (germline): Uncertain significance (1 of 4 stars; one submission).

Conditions:
Developmental and epileptic encephalopathy, 54. Also called: HNRNPU-Related Neurodevelopmental Disorder; Epileptic encephalopathy, early infantile, 54. Identifiers: MedGen C4479319, MONDO:0033363, OMIM 617391.

Submission:

Labcorp Genetics (formerly Invitae), Labcorp
Classification: Uncertain significance for Developmental and epileptic encephalopathy, 54. Last evaluated: 2022-06-04. Review status: criteria provided, single submitter. Criteria: Invitae Variant Classification Sherloc (09022015). Collection method: clinical testing. Allele origin: germline.
Comment: This sequence change replaces alanine, which is neutral and non-polar, with valine, which is neutral and non-polar, at codon 199 of the HNRNPU protein (p.Ala199Val). This variant is not present in population databases (gnomAD no frequency). This variant has not been reported in the literature in individuals affected with HNRNPU-related conditions. ClinVar contains an entry for this variant (Variation ID: 863376). Algorithms developed to predict the effect of missense changes on protein structure and function are either unavailable or do not agree on the potential impact of this missense change (SIFT: "Tolerated"; PolyPhen-2: "Possibly Damaging"; Align-GVGD: "Class C0"). In summary, the available evidence is currently insufficient to determine the role of this variant in disease. Therefore, it has been classified as a Variant of Uncertain Significance.